The following is an entry in ClinVar:

ClinVar aggregate classification (germline): Likely benign. Review status: criteria provided, multiple submitters, no conflicts (2 of 4 stars). 2 submissions from 2 submitters: Likely benign (2). Last evaluated 2025-12-10.

Allele frequency attached by ClinVar (database versions not stated): ExAC 0.00003; gnomAD exomes 0.00003; gnomAD 0.00009; TOPMed 0.00009; 1000 Genomes Project 30x 0.00016; 1000 Genomes Project 0.00020.
gnomAD v4.1: 63 of 1,613,880 alleles (0.0039%); highest among the groups gnomAD compares: African/African-American, 0.019%; no homozygotes.

Submissions (2):

Labcorp Genetics (formerly Invitae), Labcorp
Classification: Likely benign. Last evaluated: 2025-12-10. Review status: criteria provided, single submitter. Criteria: Invitae Variant Classification Sherloc (09022015). Collection method: clinical testing. Allele origin: germline.

GeneDx
Classification: Likely benign. Last evaluated: 2016-10-31. Review status: criteria provided, single submitter. Criteria: GeneDx Variant Classification (06012015). Collection method: clinical testing. Allele origin: germline. Affected: yes.
Comment: This variant is considered likely benign or benign based on one or more of the following criteria: it is a conservative change, it occurs at a poorly conserved position in the protein, it is predicted to be benign by multiple in silico algorithms, and/or has population frequency not consistent with disease.

NM_001457.4(FLNB):c.4281C>T (p.Ala1427=)

Gene: FLNB (filamin B; plus strand). Cytogenetic location: 3p14.3.
Variant type: single nucleotide variant.
Coding change: c.4281C>T on transcript NM_001457.4 (MANE Select); coding-DNA position 4281, C replaced by T.
Protein change: p.Ala1427=; no amino-acid change (alanine 1427 retained).
Molecular consequence: synonymous variant.
Genome position (GRCh38, 1-based): chr3:58,130,799, C>T. VCF-style: chr3-58130799-C-T. GRCh37 (hg19) VCF-style: chr3-58116526-C-T.
Other names: c.4281C>T, p.Ala1427= (NM_001164317.2, NM_001164318.2, NM_001164319.2).
Identifiers: ClinVar variation 390627 (VCV000390627.8), dbSNP rs188516921, ClinGen allele CA2468709.
Genomic context (GRCh38, chr3:58,130,799, plus strand): 5'-AGGCAGCCCCTTCAGGGTTCCTGTGAAGGATGTTGTGGACCCCAGCAAGGTCAAGATTGC[C>T]GGCCCCGGGCTGGGCTCAGGCGTCCGAGCCCGTGTCCTGCAGTCCTTCACGGTGGACAGC-3'
Protein context (NP_001448.2, residues 1417-1437): DVVDPSKVKI[Ala1427=]GPGLGSGVRA